The following is an entry in ClinVar:

ClinVar aggregate classification (germline): Uncertain significance (1 of 4 stars; one submission).

Allele frequency attached by ClinVar (database versions not stated): gnomAD exomes below 0.00001; TOPMed below 0.00001.
gnomAD v4.1: 4 of 1,611,476 alleles (0.00025%); highest among the groups gnomAD compares: South Asian, 0.0044%; no homozygotes.

Submission:

Labcorp Genetics (formerly Invitae), Labcorp
Classification: Uncertain significance. Last evaluated: 2022-03-31. Review status: criteria provided, single submitter. Criteria: Invitae Variant Classification Sherloc (09022015). Collection method: clinical testing. Allele origin: germline.
Comment: This variant has not been reported in the literature in individuals affected with INPPL1-related conditions. This variant is present in population databases (no rsID available, gnomAD 0.003%). This sequence change replaces alanine, which is neutral and non-polar, with proline, which is neutral and non-polar, at codon 1138 of the INPPL1 protein (p.Ala1138Pro). In summary, the available evidence is currently insufficient to determine the role of this variant in disease. Therefore, it has been classified as a Variant of Uncertain Significance. Algorithms developed to predict the effect of missense changes on protein structure and function output the following: SIFT: "Deleterious"; PolyPhen-2: "Possibly Damaging"; Align-GVGD: "Class C0". The proline amino acid residue is found in multiple mammalian species, which suggests that this missense change does not adversely affect protein function.

NM_001567.4(INPPL1):c.3412G>C (p.Ala1138Pro)

Gene: INPPL1 (inositol polyphosphate phosphatase like 1; plus strand). Cytogenetic location: 11q13.4.
Variant type: single nucleotide variant.
Coding change: c.3412G>C on transcript NM_001567.4 (MANE Select); coding-DNA position 3412, G replaced by C.
Protein change: p.Ala1138Pro; replaces alanine 1138 with proline.
Molecular consequence: missense variant.
Genome position (GRCh38, 1-based): chr11:72,237,656, G>C. VCF-style: chr11-72237656-G-C. GRCh37 (hg19) VCF-style: chr11-71948700-G-C.
Other names: short protein forms A1138P.
Identifiers: ClinVar variation 2110627 (VCV002110627.4), dbSNP rs1432447340, ClinGen allele CA381739110.